The following is an entry in ClinVar:

ClinVar aggregate classification (germline): Conflicting classifications of pathogenicity. Review status: criteria provided, conflicting classifications (1 of 4 stars). 2 submissions from 2 submitters: Pathogenic (1); Uncertain significance (1). Last evaluated 2024-02-02.

Allele frequency attached by ClinVar (database versions not stated): gnomAD exomes below 0.00001 and 0.00001; TOPMed below 0.00001; ExAC 0.00002.
gnomAD v4.1: 3 of 1,579,526 alleles (0.00019%); highest among the groups gnomAD compares: Non-Finnish European, 0.00017%; no homozygotes.

Submissions (2):

Labcorp Genetics (formerly Invitae), Labcorp
Classification: Pathogenic. Last evaluated: 2024-02-02. Review status: criteria provided, single submitter. Criteria: Invitae Variant Classification Sherloc (09022015). Collection method: clinical testing. Allele origin: germline.
Comment: This sequence change falls in intron 64 of the ADGRV1 gene. It does not directly change the encoded amino acid sequence of the ADGRV1 protein. This variant is present in population databases (rs765178095, gnomAD 0.003%). This variant has been observed in individual(s) with ADGRV1-related conditions (Invitae). In at least one individual the data is consistent with being in trans (on the opposite chromosome) from a pathogenic variant. ClinVar contains an entry for this variant (Variation ID: 1471132). Algorithms developed to predict the effect of sequence changes on RNA splicing suggest that this variant may disrupt the consensus splice site. For these reasons, this variant has been classified as Pathogenic.

Blueprint Genetics
Classification: Uncertain significance. Last evaluated: 2021-08-31. Review status: criteria provided, single submitter. Criteria: ACMG Guidelines, 2015. Collection method: clinical testing. Allele origin: germline.

NM_032119.4(ADGRV1):c.13083-12T>A

Gene: ADGRV1 (adhesion G protein-coupled receptor V1; plus strand). Cytogenetic location: 5q14.3.
Variant type: single nucleotide variant.
Coding change: c.13083-12T>A on transcript NM_032119.4 (MANE Select); 12 bases into the intron before coding-DNA position 13083, T replaced by A.
Molecular consequence: intron variant.
Genome position (GRCh38, 1-based): chr5:90,781,418, T>A. VCF-style: chr5-90781418-T-A. GRCh37 (hg19) VCF-style: chr5-90077235-T-A.
Identifiers: ClinVar variation 1471132 (VCV001471132.9), dbSNP rs765178095, ClinGen allele CA3341438.